The following is an entry in ClinVar:

NM_000521.4(HEXB):c.1614-1G>A

Gene: HEXB (hexosaminidase subunit beta; plus strand). Cytogenetic location: 5q13.3.
Variant type: single nucleotide variant.
Coding change: c.1614-1G>A on transcript NM_000521.4 (MANE Select); the canonical splice acceptor site of the intron before coding-DNA position 1614, G replaced by A.
Molecular consequence: splice acceptor variant.
Genome position (GRCh38, 1-based): chr5:74,721,117, G>A. VCF-style: chr5-74721117-G-A. GRCh37 (hg19) VCF-style: chr5-74016942-G-A.
Other names: c.939-1G>A (NM_001292004.2).
Identifiers: ClinVar variation 3051016 (VCV003051016.2), dbSNP rs111631698, ClinGen allele CA120908600.

ClinVar aggregate classification (germline): Likely benign (0 of 4 stars; one submission).

Conditions:
HEXB-related disorder. Also called: HEXB-related condition.

Submission:

PreventionGenetics, part of Exact Sciences
Classification: Likely benign for HEXB-related condition. Last evaluated: 2020-04-24. Review status: no assertion criteria provided. Collection method: clinical testing. Allele origin: germline.
Comment: This variant is classified as likely benign based on ACMG/AMP sequence variant interpretation guidelines (Richards et al. 2015 PMID: 25741868, with internal and published modifications).